The following is an entry in ClinVar:

NM_000719.7(CACNA1C):c.5294C>A (p.Ala1765Asp)

Genes: CACNA1C (calcium voltage-gated channel subunit alpha1 C; plus strand), CACNA1C-AS1 (CACNA1C antisense RNA 1; minus strand). Cytogenetic location: 12p13.33.
Variant type: single nucleotide variant.
Coding change: c.5294C>A on transcript NM_000719.7 (MANE Select); coding-DNA position 5294, C replaced by A.
Protein change: p.Ala1765Asp; replaces alanine 1765 with aspartic acid.
Molecular consequence: missense variant.
Genome position (GRCh38, 1-based): chr12:2,679,646, C>A. VCF-style: chr12-2679646-C-A. GRCh37 (hg19) VCF-style: chr12-2788812-C-A.
Other names: c.5438C>A, p.Ala1813Asp (NM_001129827.2, NM_199460.4); c.5417C>A, p.Ala1806Asp (NM_001129829.2); c.5294C>A, p.Ala1765Asp (NM_001129830.3, NM_001129840.2, NM_001129841.2 and 4 more transcripts); c.5378C>A, p.Ala1793Asp (NM_001129831.2); c.5354C>A, p.Ala1785Asp (NM_001129832.2); c.5351C>A, p.Ala1784Asp (NM_001129833.2, NM_001129834.2, NM_001129835.2); c.5345C>A, p.Ala1782Asp (NM_001129836.2); c.5318C>A, p.Ala1773Asp (NM_001129837.2, NM_001129838.2); and 3 more; short protein forms A1762D, A1782D, A1813D, A1784D, A1785D, A1793D, A1806D, A1771D.
Identifiers: ClinVar variation 955230 (VCV000955230.10), dbSNP rs2097024221, ClinGen allele CA383378906.
Genomic context (GRCh38, chr12:2,679,646, plus strand): 5'-ACGAGAAGCTGGTGGACTCCACCTTCACCCCGAGCAGCTACTCGTCCACCGGCTCCAACG[C>A]CAACATCAACAACGCCAACAACACCGCCCTGGGTCGCCTCCCTCGCCCCGCCGGCTACCC-3'
Protein context (NP_000710.5, residues 1755-1775): PSSYSSTGSN[Ala1765Asp]NINNANNTAL

ClinVar aggregate classification (germline): Uncertain significance (1 of 4 stars; one submission).

Conditions:
Long QT syndrome (LQTS). Identifiers: MedGen C0023976, MeSH D008133, MONDO:0002442. Disease mechanism: loss of function. Inheritance: Various modes of inheritance.

Submission:

Labcorp Genetics (formerly Invitae), Labcorp
Classification: Uncertain significance for Long QT syndrome. Last evaluated: 2022-03-09. Review status: criteria provided, single submitter. Criteria: Invitae Variant Classification Sherloc (09022015). Collection method: clinical testing. Allele origin: germline.
Comment: This variant has not been reported in the literature in individuals affected with CACNA1C-related conditions. This variant is not present in population databases (gnomAD no frequency). This sequence change replaces alanine, which is neutral and non-polar, with aspartic acid, which is acidic and polar, at codon 1765 of the CACNA1C protein (p.Ala1765Asp). In summary, the available evidence is currently insufficient to determine the role of this variant in disease. Therefore, it has been classified as a Variant of Uncertain Significance. Algorithms developed to predict the effect of missense changes on protein structure and function are either unavailable or do not agree on the potential impact of this missense change (SIFT: "Tolerated"; PolyPhen-2: "Probably Damaging"; Align-GVGD: "Class C0"). ClinVar contains an entry for this variant (Variation ID: 955230).